The following is an entry in ClinVar:

NM_004959.5(NR5A1):c.219C>G (p.Cys73Trp)

Gene: NR5A1 (nuclear receptor subfamily 5 group A member 1; minus strand). Cytogenetic location: 9q33.3.
Variant type: single nucleotide variant.
Coding change: c.219C>G on transcript NM_004959.5 (MANE Select); coding-DNA position 219, C replaced by G.
Protein change: p.Cys73Trp; replaces cysteine 73 with tryptophan.
Molecular consequence: missense variant.
Genome position (GRCh38, 1-based): chr9:124,503,104, G>C on the plus strand (C>G on the coding strand, the complement: NR5A1 is on the minus strand). VCF-style: chr9-124503104-G-C. GRCh37 (hg19) VCF-style: chr9-127265383-G-C.
Other names: short protein forms C73W.
Identifiers: ClinVar variation 935575 (VCV000935575.11), dbSNP rs1832493257, ClinGen allele CA374890165.

ClinVar aggregate classification (germline): Pathogenic. Review status: criteria provided, single submitter (1 of 4 stars). 2 submissions from 2 submitters: Pathogenic (1). 1 of the submissions does not count toward it. Last evaluated 2025-08-21.

Conditions:
46 XY differences of sex development. Also called: 46,XY disorder of sex development; 46, XY disorder of sex development (DSD). Identifiers: Orphanet 98085, MedGen C2751824, MONDO:0020040.
Oligosynaptic infertility (SPGF1). Also called: OLIGOCHIASMATIC INFERTILITY; SPERMATOGENIC FAILURE 1. Identifiers: MedGen C0403810, MONDO:0009776, OMIM 258150.
Disorder of sexual differentiation. Also called: Disorder of sex development; Difference of sexual differentiation. Identifiers: Orphanet 90771, MedGen C2930619, MONDO:0002145.

Submissions (2):

Labcorp Genetics (formerly Invitae), Labcorp
Classification: Pathogenic for 46 XY differences of sex development; Oligosynaptic infertility. Last evaluated: 2025-08-21. Review status: criteria provided, single submitter. Criteria: Invitae Variant Classification Sherloc (09022015). Collection method: clinical testing. Allele origin: germline.
Comment: This sequence change replaces cysteine, which is neutral and slightly polar, with tryptophan, which is neutral and slightly polar, at codon 73 of the NR5A1 protein (p.Cys73Trp). This variant is not present in population databases (gnomAD no frequency). This missense change has been observed in individual(s) with clinical features of a 46,XY disorder of sex development (PMID: 38168586; internal data). In at least one individual the variant was observed to be de novo. ClinVar contains an entry for this variant (Variation ID: 935575). Invitae Evidence Modeling of protein sequence and biophysical properties (such as structural, functional, and spatial information, amino acid conservation, physicochemical variation, residue mobility, and thermodynamic stability) indicates that this missense variant is expected to disrupt NR5A1 protein function with a positive predictive value of 95%. For these reasons, this variant has been classified as Pathogenic.

Human Developmental Genetics, Institut Pasteur
Classification: Pathogenic for Disorder of sexual differentiation. Last evaluated: 2021-08-17. Review status: no assertion criteria provided. Collection method: research. Allele origin: de novo. Inheritance: Autosomal dominant inheritance. Affected: yes. Observed: 1 variant allele, 1 heterozygote. Not counted in ClinVar's aggregate classification.

Literature cited by the submitters: PubMed 38168586 (cited by Labcorp Genetics (formerly Invitae), Labcorp).